The following is an entry in ClinVar:

ClinVar aggregate classification (germline): Likely benign (1 of 4 stars; one submission).

Allele frequency attached by ClinVar (database versions not stated): 1000 Genomes Project 30x 0.00109; 1000 Genomes Project 0.00140; TOPMed 0.00258; gnomAD 0.00310; ESP Exome Variant Server 0.00315; ExAC 0.00402; gnomAD exomes 0.00446.
gnomAD v4.1: 6,352 of 1,483,608 alleles (0.43%); highest among the groups gnomAD compares: Non-Finnish European, 0.5%; 20 homozygotes.

Submission:

CeGaT Center for Human Genetics Tuebingen
Classification: Likely benign. Last evaluated: 2023-03-01. Review status: criteria provided, single submitter. Criteria: CeGaT Center For Human Genetics Tuebingen Variant Classification Criteria Version 2. Collection method: clinical testing. Allele origin: germline. Affected: yes. Observed: 1 variant allele.
Comment: HOOK3: BP4, BP7

NM_032410.4(HOOK3):c.384C>T (p.Asn128=)

Gene: HOOK3 (hook microtubule tethering protein 3; plus strand). Cytogenetic location: 8p11.21.
Variant type: single nucleotide variant.
Coding change: c.384C>T on transcript NM_032410.4 (MANE Select); coding-DNA position 384, C replaced by T.
Protein change: p.Asn128=; no amino-acid change (asparagine 128 retained).
Molecular consequence: synonymous variant.
Genome position (GRCh38, 1-based): chr8:42,943,429, C>T. VCF-style: chr8-42943429-C-T. GRCh37 (hg19) VCF-style: chr8-42798572-C-T.
Identifiers: ClinVar variation 2658588 (VCV002658588.24), dbSNP rs34112280, ClinGen allele CA4735245.